The following is an entry in ClinVar:

NM_001166271.3(SPATA13):c.2668-7T>C

Gene: SPATA13 (spermatogenesis associated 13; plus strand). Cytogenetic location: 13q12.12.
Variant type: single nucleotide variant.
Coding change: c.2668-7T>C on transcript NM_001166271.3 (MANE Select); 7 bases into the intron before coding-DNA position 2668, T replaced by C.
Molecular consequence: intron variant.
Genome position (GRCh38, 1-based): chr13:24,288,992, T>C. VCF-style: chr13-24288992-T-C. GRCh37 (hg19) VCF-style: chr13-24863130-T-C.
Other names: c.2854-7T>C (NM_001286792.2); c.793-7T>C (NM_153023.4); c.625-7T>C (NM_001286794.2); c.559-7T>C (NM_001286795.2); c.373-7T>C (NM_001286793.2).
Identifiers: ClinVar variation 3047888 (VCV003047888.2), dbSNP rs781461627, ClinGen allele CA6914325.
Genomic context (GRCh38, chr13:24,288,992, plus strand): 5'-AAAGCTGTACTATTCAAATAATTTATTTGGATTTCCAAATAAAAAGTATTACTTCTGTAT[T>C]TTGCAGGGCTATATCCGACAGTGCCGCAAGCACACAGGAATGTTCACCGTTGCGCAGCTA-3'

ClinVar aggregate classification (germline): Likely benign (0 of 4 stars; one submission).

Conditions:
SPATA13-related disorder. Also called: SPATA13-related condition.

Allele frequency attached by ClinVar (database versions not stated): ExAC 0.00001; gnomAD exomes 0.00003; gnomAD 0.00005; TOPMed 0.00005.
gnomAD v4.1: 49 of 1,585,550 alleles (0.0031%); highest among the groups gnomAD compares: Middle Eastern, 0.17%; no homozygotes.

Submission:

PreventionGenetics, part of Exact Sciences
Classification: Likely benign for SPATA13-related condition. Last evaluated: 2019-03-15. Review status: no assertion criteria provided. Collection method: clinical testing. Allele origin: germline.
Comment: This variant is classified as likely benign based on ACMG/AMP sequence variant interpretation guidelines (Richards et al. 2015 PMID: 25741868, with internal and published modifications).